The following is an entry in ClinVar:

ClinVar aggregate classification (germline): Uncertain significance (1 of 4 stars; one submission).

Allele frequency attached by ClinVar (database versions not stated): gnomAD 0.00001; TOPMed 0.00002.
gnomAD v4.1: 92 of 1,524,550 alleles (0.006%); highest among the groups gnomAD compares: Non-Finnish European, 0.0078%; no homozygotes.

Submission:

Labcorp Genetics (formerly Invitae), Labcorp
Classification: Uncertain significance. Last evaluated: 2022-09-27. Review status: criteria provided, single submitter. Criteria: Invitae Variant Classification Sherloc (09022015). Collection method: clinical testing. Allele origin: germline.
Comment: This sequence change replaces glycine, which is neutral and non-polar, with arginine, which is basic and polar, at codon 209 of the CFD protein (p.Gly209Arg). This variant is present in population databases (no rsID available, gnomAD 0.006%). This variant has not been reported in the literature in individuals affected with CFD-related conditions. ClinVar contains an entry for this variant (Variation ID: 1501698). Algorithms developed to predict the effect of missense changes on protein structure and function are either unavailable or do not agree on the potential impact of this missense change (SIFT: "Not Available"; PolyPhen-2: "Probably Damaging"; Align-GVGD: "Not Available"). In summary, the available evidence is currently insufficient to determine the role of this variant in disease. Therefore, it has been classified as a Variant of Uncertain Significance.

NM_001928.4(CFD):c.625G>C (p.Gly209Arg)

Gene: CFD (complement factor D; plus strand). Cytogenetic location: 19p13.3.
Variant type: single nucleotide variant.
Coding change: c.625G>C on transcript NM_001928.4 (MANE Select); coding-DNA position 625, G replaced by C.
Protein change: p.Gly209Arg; replaces glycine 209 with arginine.
Molecular consequence: missense variant.
Genome position (GRCh38, 1-based): chr19:863,101, G>C. VCF-style: chr19-863101-G-C. GRCh37 (hg19) VCF-style: chr19-863101-G-C.
Other names: c.646G>C, p.Gly216Arg (NM_001317335.2); short protein forms G216R, G209R.
Identifiers: ClinVar variation 1501698 (VCV001501698.3), dbSNP rs1019701292, ClinGen allele CA303955665.